The following is an entry in ClinVar:

ClinVar aggregate classification (germline): Uncertain significance. Review status: criteria provided, multiple submitters, no conflicts (2 of 4 stars). 2 submissions from 2 submitters: Uncertain significance (2). Last evaluated 2023-06-22.

Conditions:
Inborn genetic diseases. Identifiers: MedGen C0950123, MeSH D030342.
Epilepsy. Also called: Seizure disorder. Identifiers: MedGen C0014544, MeSH D004827, MONDO:0005027.

Allele frequency attached by ClinVar (database versions not stated): gnomAD 0.00003; TOPMed 0.00003; ExAC 0.00009.
gnomAD v4.1: 49 of 1,584,918 alleles (0.0031%); highest among the groups gnomAD compares: Middle Eastern, 0.033%; no homozygotes.

Submissions (2):

Labcorp Genetics (formerly Invitae), Labcorp
Classification: Uncertain significance for Epilepsy. Last evaluated: 2023-06-22. Review status: criteria provided, single submitter. Criteria: Invitae Variant Classification Sherloc (09022015). Collection method: clinical testing. Allele origin: germline.
Comment: This variant is present in population databases (rs747036362, gnomAD 0.005%). In summary, the available evidence is currently insufficient to determine the role of this variant in disease. Therefore, it has been classified as a Variant of Uncertain Significance. An algorithm developed to predict the effect of missense changes on protein structure and function (PolyPhen-2) suggests that this variant¬†is likely to be tolerated. ClinVar contains an entry for this variant (Variation ID: 2165357). This variant has not been reported in the literature in individuals affected with PIGQ-related conditions. This sequence change replaces asparagine, which is neutral and polar, with lysine, which is basic and polar, at codon 268 of the PIGQ protein (p.Asn268Lys).

Ambry Genetics
Classification: Uncertain significance for Inborn genetic diseases. Last evaluated: 2021-08-23. Review status: criteria provided, single submitter. Criteria: Ambry Variant Classification Scheme 2023. Collection method: clinical testing. Allele origin: germline.

NM_004204.5(PIGQ):c.804C>A (p.Asn268Lys)

Gene: PIGQ (phosphatidylinositol glycan anchor biosynthesis class Q; plus strand). Cytogenetic location: 16p13.3.
Variant type: single nucleotide variant.
Coding change: c.804C>A on transcript NM_004204.5 (MANE Select); coding-DNA position 804, C replaced by A.
Protein change: p.Asn268Lys; replaces asparagine 268 with lysine.
Molecular consequence: missense variant.
Genome position (GRCh38, 1-based): chr16:575,953, C>A. VCF-style: chr16-575953-C-A. GRCh37 (hg19) VCF-style: chr16-625953-C-A.
Other names: c.804C>A (NM_148920.1); c.804C>A, p.Asn268Lys (NM_148920.4); short protein forms N268K.
Identifiers: ClinVar variation 2165357 (VCV002165357.3), dbSNP rs747036362, ClinGen allele CA7779978.